The following is an entry in ClinVar:

NM_007078.3(LDB3):c.1653C>T (p.Cys551=)

Gene: LDB3 (LIM domain binding 3; plus strand). Cytogenetic location: 10q23.2.
Variant type: single nucleotide variant.
Coding change: c.1653C>T on transcript NM_007078.3 (MANE Select); coding-DNA position 1653, C replaced by T.
Protein change: p.Cys551=; no amino-acid change (cysteine 551 retained).
Molecular consequence: synonymous variant. On other transcripts: genic downstream transcript variant (1).
Genome position (GRCh38, 1-based): chr10:86,716,748, C>T. VCF-style: chr10-86716748-C-T. GRCh37 (hg19) VCF-style: chr10-88476505-C-T.
Other names: c.*17374C>T (NM_001080116.1); c.1323C>T, p.Cys441= (NM_001080114.2); c.1668C>T, p.Cys556= (NM_001171610.2); c.1464C>T, p.Cys488= (NM_001368064.1, NM_001368065.1); c.1512C>T, p.Cys504= (NM_001368066.1); c.1323C>T (NM_001080114.1).
Identifiers: ClinVar variation 45531 (VCV000045531.56), dbSNP rs45581435, ClinGen allele CA136554.

ClinVar aggregate classification (germline): Benign/Likely benign. Review status: criteria provided, multiple submitters, no conflicts (2 of 4 stars). 14 submissions from 14 submitters: Benign (2); Likely benign (8). 4 of the submissions do not count toward it. Last evaluated 2026-05-01.

Conditions:
LDB3-related disorder. Also called: LDB3-related condition.
Cardiovascular phenotype. Identifiers: MedGen CN230736.
Cardiomyopathy (CMYO). Also called: Cardiomyopathies. Identifiers: Orphanet 167848, MedGen C0878544, MONDO:0004994, HP:0001638. Inheritance: Various modes of inheritance.
Myofibrillar myopathy 4. Also called: Zaspopathy (type). Identifiers: Orphanet 98912, MedGen C4721886, MONDO:0012277, OMIM 609452.

Allele frequency attached by ClinVar (database versions not stated): TOPMed 0.00041; gnomAD exomes 0.00052 and 0.00053; ESP Exome Variant Server 0.00054; ExAC 0.00073; gnomAD 0.00092 and 0.00096.
gnomAD v4.1: 913 of 1,611,646 alleles (0.057%); highest among the groups gnomAD compares: Non-Finnish European, 0.067%; 6 homozygotes.

Submissions (14):

CeGaT Center for Human Genetics Tuebingen
Classification: Likely benign. Last evaluated: 2026-05-01. Review status: criteria provided, single submitter. Criteria: CeGaT Center For Human Genetics Tuebingen Variant Classification Criteria Version 2. Collection method: clinical testing. Allele origin: germline. Affected: yes. Observed: 3 variant alleles.
Comment: LDB3: BP4, BP7

Labcorp Genetics (formerly Invitae), Labcorp
Classification: Likely benign for Myofibrillar myopathy 4. Last evaluated: 2026-01-27. Review status: criteria provided, single submitter. Criteria: Invitae Variant Classification Sherloc (09022015). Collection method: clinical testing. Allele origin: germline.

Laboratory of Genetics, Children's Clinical University Hospital Latvia
Classification: Likely benign. Last evaluated: 2025-02-16. Review status: criteria provided, single submitter. Criteria: ACMG Guidelines, 2015. Collection method: clinical testing. Allele origin: germline. Affected: yes.

Blueprint Genetics
Classification: Likely benign. Last evaluated: 2024-11-25. Review status: criteria provided, single submitter. Criteria: ACMG Guidelines, 2015. Collection method: clinical testing. Allele origin: germline.

Women's Health and Genetics/Laboratory Corporation of America, LabCorp
Classification: Benign. Last evaluated: 2023-04-17. Review status: criteria provided, single submitter. Criteria: LabCorp Variant Classification Summary - May 2015. Collection method: clinical testing. Allele origin: germline.

Ambry Genetics
Classification: Likely benign for Cardiovascular phenotype. Last evaluated: 2016-10-21. Review status: criteria provided, single submitter. Criteria: Ambry Variant Classification Scheme 2023. Collection method: clinical testing. Allele origin: germline.

CHEO Genetics Diagnostic Laboratory, Children's Hospital of Eastern Ontario
Classification: Likely benign for Cardiomyopathy. Last evaluated: 2016-06-13. Review status: criteria provided, single submitter. Criteria: ACMG Guidelines, 2015. Collection method: clinical testing. Allele origin: germline. Study: Canadian Open Genetics Repository.

GeneDx
Classification: Benign. Last evaluated: 2015-03-03. Review status: criteria provided, single submitter. Criteria: GeneDx Variant Classification Process June 2021. Collection method: clinical testing. Allele origin: germline. Affected: yes.

Laboratory for Molecular Medicine, Mass General Brigham Personalized Medicine
Classification: Likely benign. Last evaluated: 2011-12-20. Review status: criteria provided, single submitter. Criteria: LMM Criteria. Collection method: clinical testing. Allele origin: germline. Observed: 2 variant alleles.
Comment: Cys551Cys in exon 12 of LDB3: This variant is not expected to have clinical sign ificance because it does not alter an amino acid residue, is not located within the splice consensus sequence, and has been identified in 7/7012 European Americ an and 1/3734 African American chromosomes by the NHBLI Exome sequencing project (please note, this cohort contained individu als with heart disease). This variant is listed in dbSNP as not detected in seve ral populations (rs45581435). Cys551Cys in exon 12 of LDB3 (rs45581435, NHBLI Exome Seq Project; allele frequency = 7/7012)

Breakthrough Genomics
Classification: Likely benign. Review status: criteria provided, single submitter. Criteria: ACMG Guidelines, 2015. Collection method: not provided. Allele origin: germline. Inheritance: Autosomal dominant inheritance. Affected: yes.

PreventionGenetics, part of Exact Sciences
Classification: Likely benign for LDB3-related condition. Last evaluated: 2019-11-06. Review status: no assertion criteria provided. Collection method: clinical testing. Allele origin: germline. Not counted in ClinVar's aggregate classification.
Comment: This variant is classified as likely benign based on ACMG/AMP sequence variant interpretation guidelines (Richards et al. 2015 PMID: 25741868, with internal and published modifications).

Clinical Genetics DNA and cytogenetics Diagnostics Lab, Erasmus MC, Erasmus Medical Center
Classification: Likely benign. Review status: no assertion criteria provided. Collection method: clinical testing. Allele origin: germline. Affected: yes. Study: VKGL Data-share Consensus. Not counted in ClinVar's aggregate classification.

Clinical Genetics, Academic Medical Center
Classification: Benign. Review status: no assertion criteria provided. Collection method: clinical testing. Allele origin: germline. Affected: yes. Study: VKGL Data-share Consensus. Not counted in ClinVar's aggregate classification.

Joint Genome Diagnostic Labs from Nijmegen and Maastricht, Radboudumc and MUMC+
Classification: Likely benign. Review status: no assertion criteria provided. Collection method: clinical testing. Allele origin: germline. Affected: yes. Study: VKGL Data-share Consensus. Not counted in ClinVar's aggregate classification.